The following is an entry in ClinVar:

NM_005476.7(GNE):c.1113_1114delinsT (p.Leu371fs)

Gene: GNE (glucosamine (UDP-N-acetyl)-2-epimerase/N-acetylmannosamine kinase; minus strand). Cytogenetic location: 9p13.3.
Variant type: Indel.
Coding change: c.1113_1114delinsT on transcript NM_005476.7 (MANE Select); coding-DNA positions 1113 to 1114, GA replaced by T.
Protein change: p.Leu371fs; shifts the reading frame from leucine 371.
Molecular consequence: frameshift variant.
Genome position (GRCh38, 1-based): chr9:36,227,415-36,227,416, TC replaced by A on the plus strand (GA replaced by T on the coding strand, the reverse complement: GNE is on the minus strand). VCF-style: chr9-36227415-TC-A. GRCh37 (hg19) VCF-style: chr9-36227412-TC-A.
Other names: c.1206_1207delinsT, p.Leu402fs (NM_001128227.3); c.1113_1114delinsT, p.Leu371fs (NM_001190383.3); c.783_784delinsT, p.Leu261fs (NM_001190384.3); c.936_937delinsT, p.Leu312fs (NM_001190388.2, NM_001374798.1); c.960_961delinsT, p.Leu320fs (NM_001374797.1); short protein forms L261fs, L312fs, L320fs, L371fs, L402fs.
Identifiers: ClinVar variation 1726808 (VCV001726808.2), dbSNP rs2489664378, ClinGen allele CA2580080543.

ClinVar aggregate classification (germline): Likely pathogenic (1 of 4 stars; one submission).

Conditions:
GNE myopathy (NM). Also called: MYOPATHY, DISTAL, WITH OR WITHOUT RIMMED VACUOLES; IBM 2; Inclusion body myopathy autosomal recessive; Inclusion body myopathy quadriceps sparing; NONAKA DISTAL MYOPATHY; INCLUSION BODY MYOPATHY, HEREDITARY, AUTOSOMAL RECESSIVE. Identifiers: Orphanet 602, MedGen C1853926, MONDO:0011603, OMIM 605820.

Submission:

Myriad Genetics, Inc.
Classification: Likely pathogenic for GNE myopathy. Last evaluated: 2022-01-02. Review status: criteria provided, single submitter. Criteria: Myriad Women's Health Autosomal Recessive and X-Linked Classification Criteria (2021). Collection method: clinical testing. Allele origin: unknown.
Comment: NM_001128227.2(GNE):c.1206_1207delGAinsT(L402Ffs*22) is expected to be pathogenic in the context of GNE myopathy. This variant is predicted to lead to an abnormal or absent protein product due to the creation of a premature termination codon in GNE, a gene where loss-of-function variants are known to be pathogenic. Please note: this variant was assessed in the context of healthy population screening.